The following is an entry in ClinVar:

NM_000548.5(TSC2):c.4466C>A (p.Ala1489Glu)

Gene: TSC2 (TSC complex subunit 2; plus strand). Cytogenetic location: 16p13.3.
Variant type: single nucleotide variant.
Coding change: c.4466C>A on transcript NM_000548.5 (MANE Select); coding-DNA position 4466, C replaced by A.
Protein change: p.Ala1489Glu; replaces alanine 1489 with glutamic acid.
Molecular consequence: missense variant.
Genome position (GRCh38, 1-based): chr16:2,084,688, C>A. VCF-style: chr16-2084688-C-A. GRCh37 (hg19) VCF-style: chr16-2134689-C-A.
Other names: c.4265C>A, p.Ala1422Glu (NM_001077183.3); c.4397C>A, p.Ala1466Glu (NM_001114382.3); c.4157C>A, p.Ala1386Glu (NM_001318827.2); c.4121C>A, p.Ala1374Glu (NM_001318829.2); c.3734C>A, p.Ala1245Glu (NM_001318831.2); c.4298C>A, p.Ala1433Glu (NM_001318832.2); c.4268C>A, p.Ala1423Glu (NM_001363528.2); c.4334C>A, p.Ala1445Glu (NM_001370404.1); and 26 more; short protein forms A1223E, A1265E, A1418E, A1423E, A1433E, A1446E, A1488E, A997E.
Identifiers: ClinVar variation 1740794 (VCV001740794.2), dbSNP rs1596418744, ClinGen allele CA394302485.

ClinVar aggregate classification (germline): Uncertain significance (1 of 4 stars; one submission).

Conditions:
Hereditary cancer-predisposing syndrome. Also called: Hereditary Cancer Syndrome; Hereditary neoplastic syndrome; Neoplastic Syndromes, Hereditary; Tumor predisposition. Identifiers: Orphanet 140162, MedGen C0027672, MeSH D009386, MONDO:0015356.

Submission:

Ambry Genetics
Classification: Uncertain significance for Hereditary cancer-predisposing syndrome. Last evaluated: 2022-05-07. Review status: criteria provided, single submitter. Criteria: Ambry Variant Classification Scheme 2023. Collection method: clinical testing. Allele origin: germline.
Comment: The p.A1489E variant (also known as c.4466C>A), located in coding exon 33 of the TSC2 gene, results from a C to A substitution at nucleotide position 4466. The alanine at codon 1489 is replaced by glutamic acid, an amino acid with dissimilar properties. This amino acid position is conserved. In addition, the in silico prediction for this alteration is inconclusive. Since supporting evidence is limited at this time, the clinical significance of this alteration remains unclear.